The following is an entry in ClinVar:

NM_003640.5(ELP1):c.274G>A (p.Val92Ile)

Gene: ELP1 (elongator acetyltransferase complex subunit 1; minus strand). Cytogenetic location: 9q31.3.
Variant type: single nucleotide variant.
Coding change: c.274G>A on transcript NM_003640.5 (MANE Select); coding-DNA position 274, G replaced by A.
Protein change: p.Val92Ile; replaces valine 92 with isoleucine.
Molecular consequence: missense variant. On other transcripts: 5 prime UTR variant (2).
Genome position (GRCh38, 1-based): chr9:108,929,798, C>T on the plus strand (G>A on the coding strand, the complement: ELP1 is on the minus strand). VCF-style: chr9-108929798-C-T. GRCh37 (hg19) VCF-style: chr9-111692078-C-T.
Other names: c.274G>A (LRG_251t1); c.-69G>A (NM_001318360.2); c.-586G>A (NM_001330749.2); short protein forms V92I.
Identifiers: ClinVar variation 582865 (VCV000582865.6), dbSNP rs757852635, ClinGen allele CA5175424.
Genomic context (GRCh38, chr9:108,929,798, plus strand): 5'-GACTCCCCCCTCACTGGAGTCTTCCACTTACCTGTTGTGTGCTGAGACTGCAGAGTATGA[C>T]GTCTCCAGAGGCTGTGGCCACACACACAGACTCCTGATCCAGCAAGTCCTGAACACCAAC-3'
Protein context (NP_003631.2, residues 82-102): SVCVATASGD[Val92Ile]ILCSLSTQQL

ClinVar aggregate classification (germline): Uncertain significance. Review status: criteria provided, multiple submitters, no conflicts (2 of 4 stars). 4 submissions from 4 submitters: Uncertain significance (3). 1 of the submissions does not count toward it. Last evaluated 2024-01-18.

Conditions:
Familial dysautonomia. Also called: FD; HSAN III. Identifiers: Orphanet 1764, MedGen C0013364, MONDO:0009131, OMIM 223900. Disease mechanism: loss of function.
Medulloblastoma (MDB). Also called: Medulloblastoma, somatic; MEDULLOBLASTOMA PREDISPOSITION SYNDROME. Identifiers: Orphanet 616, MedGen C0025149, MeSH D008527, MONDO:0007959, OMIM 155255, HP:0002885.

Allele frequency attached by ClinVar (database versions not stated): TOPMed below 0.00001; gnomAD 0.00001; ExAC 0.00002; gnomAD exomes 0.00002.

Submissions (4):

Fulgent Genetics
Classification: Uncertain significance for Medulloblastoma; Familial dysautonomia. Last evaluated: 2024-01-18. Review status: criteria provided, single submitter. Criteria: ACMG Guidelines, 2015. Collection method: clinical testing. Allele origin: germline.

Baylor Genetics
Classification: Uncertain significance for Familial dysautonomia. Last evaluated: 2019-11-20. Review status: criteria provided, single submitter. Criteria: ACMG Guidelines, 2015. Collection method: clinical testing. Allele origin: unknown. Affected: yes.
Comment: This variant was determined to be of uncertain significance according to ACMG Guidelines, 2015 [PMID:25741868].

Labcorp Genetics (formerly Invitae), Labcorp
Classification: Uncertain significance. Last evaluated: 2018-04-18. Review status: criteria provided, single submitter. Criteria: Invitae Variant Classification Sherloc (09022015). Collection method: clinical testing. Allele origin: germline.
Comment: This sequence change replaces valine with isoleucine at codon 92 of the IKBKAP protein (p.Val92Ile). The valine residue is moderately conserved and there is a small physicochemical difference between valine and isoleucine. This variant is present in population databases (rs757852635, ExAC 0.006%). This variant has not been reported in the literature in individuals with IKBKAP-related disease. Algorithms developed to predict the effect of missense changes on protein structure and function output the following: SIFT: Tolerated; PolyPhen-2: Benign; Align-GVGD: Class C0. The isoleucine amino acid residue is found in multiple mammalian species, suggesting that this missense change does not adversely affect protein function. These predictions have not been confirmed by published functional studies and their clinical significance is uncertain. In summary, the available evidence is currently insufficient to determine the role of this variant in disease. Therefore, it has been classified as a Variant of Uncertain Significance.

Natera, Inc.
Classification: Uncertain significance for Familial dysautonomia. Last evaluated: 2020-09-16. Review status: no assertion criteria provided. Collection method: clinical testing. Allele origin: germline. Not counted in ClinVar's aggregate classification.